The following is an entry in ClinVar:

ClinVar aggregate classification (germline): Pathogenic. Review status: criteria provided, multiple submitters, no conflicts (2 of 4 stars). 2 submissions from 2 submitters: Pathogenic (2). Last evaluated 2024-05-08.

Conditions:
Tay-Sachs disease (TSD). Also called: HEXA Disorders; HEXA DEFICIENCY; GM2 gangliosidosis, type 1; Hexosaminidase alpha-subunit deficiency (variant B); Sphingolipidosis, Tay-Sachs; Hexosaminidase A Deficiency. Identifiers: Orphanet 845, MedGen C0039373, MONDO:0010100, OMIM 272800.

gnomAD v4.1: 6 of 1,613,994 alleles (0.00037%); highest among the groups gnomAD compares: Non-Finnish European, 0.00051%; no homozygotes.

Submissions (2):

Myriad Genetics, Inc.
Classification: Pathogenic for Tay-Sachs disease. Last evaluated: 2024-05-08. Review status: criteria provided, single submitter. Criteria: Myriad Autosomal Dominant, Autosomal Recessive and X-Linked Classification Criteria (2023). Collection method: clinical testing. Allele origin: unknown.
Comment: NM_000520.4(HEXA):c.967G>T(E323*) is expected to be pathogenic in the context of hexosaminidase A deficiency. This variant is predicted to lead to an abnormal or absent protein product due to the creation of a premature termination codon in HEXA, a gene where loss-of-function variants are known to be pathogenic. Please note: this variant was assessed in the context of healthy population screening.

Labcorp Genetics (formerly Invitae), Labcorp
Classification: Pathogenic for Tay-Sachs disease. Last evaluated: 2022-05-18. Review status: criteria provided, single submitter. Criteria: Invitae Variant Classification Sherloc (09022015). Collection method: clinical testing. Allele origin: germline.
Comment: This sequence change creates a premature translational stop signal (p.Glu323*) in the HEXA gene. It is expected to result in an absent or disrupted protein product. Loss-of-function variants in HEXA are known to be pathogenic (PMID: 1833974, 8490625). This variant is not present in population databases (gnomAD no frequency). This variant has not been reported in the literature in individuals affected with HEXA-related conditions. Algorithms developed to predict the effect of sequence changes on RNA splicing suggest that this variant may disrupt the consensus splice site. For these reasons, this variant has been classified as Pathogenic.

Literature cited by the submitters: PubMed 1833974 (cited by Labcorp Genetics (formerly Invitae), Labcorp); PubMed 8490625 (cited by Labcorp Genetics (formerly Invitae), Labcorp).

NM_000520.6(HEXA):c.967G>T (p.Glu323Ter)

Gene: HEXA (hexosaminidase subunit alpha; minus strand). Cytogenetic location: 15q23.
Variant type: single nucleotide variant.
Coding change: c.967G>T on transcript NM_000520.6 (MANE Select); coding-DNA position 967, G replaced by T.
Protein change: p.Glu323Ter; replaces glutamic acid 323 with a stop codon.
Molecular consequence: nonsense. On other transcripts: non-coding transcript variant (1).
Genome position (GRCh38, 1-based): chr15:72,349,098, C>A on the plus strand (G>T on the coding strand, the complement: HEXA is on the minus strand). VCF-style: chr15-72349098-C-A. GRCh37 (hg19) VCF-style: chr15-72641439-C-A.
Other names: c.1000G>T, p.Glu334Ter (NM_001318825.2); short protein forms E323*, E334*.
Identifiers: ClinVar variation 2201611 (VCV002201611.5), dbSNP rs2542522575, ClinGen allele CA393062179.